The following is an entry in ClinVar:

NC_000012.11:g.(?_58142945)_(58145500_?)dup

Gene: CDK4 (cyclin dependent kinase 4; minus strand). Cytogenetic location: 12q14.1.
Variant type: Duplication.
Identifiers: ClinVar variation 3244287 (VCV003244287.1).

ClinVar aggregate classification (germline): Uncertain significance (1 of 4 stars; one submission).

Conditions:
Familial melanoma. Also called: Hereditary melanoma; Hereditary cutaneous melanoma. Identifiers: Orphanet 618, MedGen C1512419, MONDO:0018961.

Submission:

Labcorp Genetics (formerly Invitae), Labcorp
Classification: Uncertain significance for Familial melanoma. Last evaluated: 2023-11-21. Review status: criteria provided, single submitter. Criteria: Invitae Variant Classification Sherloc (09022015). Collection method: clinical testing. Allele origin: unknown.
Comment: This variant results in a copy number gain of the genomic region encompassing exon(s) 2-7 of the CDK4 gene. This region includes the initiator codon of the gene. This copy number gain extends beyond the assayed region for this gene and therefore may encompass additional genes. As the precise location of this event is unknown, it may be in tandem or it may be located elsewhere in the genome. This variant has not been reported in the literature in individuals affected with CDK4-related conditions. In summary, the available evidence is currently insufficient to determine the role of this variant in disease. Therefore, it has been classified as a Variant of Uncertain Significance.